The following is an entry in ClinVar:

ClinVar aggregate classification (germline): Uncertain significance. Review status: criteria provided, multiple submitters, no conflicts (2 of 4 stars). 2 submissions from 2 submitters: Uncertain significance (2). Last evaluated 2024-06-24.

Conditions:
Hereditary cancer-predisposing syndrome. Also called: Tumor predisposition; Neoplastic Syndromes, Hereditary; Hereditary Cancer Syndrome; Hereditary neoplastic syndrome. Identifiers: Orphanet 140162, MedGen C0027672, MeSH D009386, MONDO:0015356.
Breast-ovarian cancer, familial, susceptibility to, 1 (BROVCA1). Also called: BRCA1 Hereditary Breast and Ovarian Cancer; OVARIAN CANCER, SUSCEPTIBILITY TO. Identifiers: Orphanet 145, MedGen C2676676, MONDO:0011450, OMIM 604370. Disease mechanism: loss of function.

Allele frequency attached by ClinVar (database versions not stated): gnomAD exomes below 0.00001.
gnomAD v4.1: 1 of 1,614,172 alleles (0.000062%); highest among the groups gnomAD compares: Non-Finnish European, 0.000085%; no homozygotes.

Submissions (2):

Ambry Genetics
Classification: Uncertain significance for Hereditary cancer-predisposing syndrome. Last evaluated: 2024-06-24. Review status: criteria provided, single submitter. Criteria: Ambry Variant Classification Scheme 2023. Collection method: clinical testing. Allele origin: germline.
Comment: The p.E421D variant (also known as c.1263A>C), located in coding exon 9 of the BRCA1 gene, results from an A to C substitution at nucleotide position 1263. The glutamic acid at codon 421 is replaced by aspartic acid, an amino acid with highly similar properties. This variant has been reported in a cohort of 488 patients with stages I to III breast cancer who were tested with a 25-gene panel test (Tung N et al. J Clin Oncol, 2016 May;34:1460-8). This amino acid position is poorly conserved in available vertebrate species. In addition, the in silico prediction for this alteration is inconclusive. Based on the available evidence, the clinical significance of this variant remains unclear.

All of Us Research Program, National Institutes of Health
Classification: Uncertain significance for Breast-ovarian cancer, familial, susceptibility to, 1. Last evaluated: 2023-05-04. Review status: criteria provided, single submitter. Criteria: ACMG Guidelines, 2015. Collection method: clinical testing. Allele origin: germline. Inheritance: Autosomal dominant inheritance. Observed: 1 variant allele, 1 heterozygote.
Comment: This missense variant replaces glutamic acid with aspartic acid at codon 421 of the BRCA1 protein. Computational prediction is inconclusive regarding the impact of this variant on protein structure and function (internally defined REVEL score threshold 0.5 < inconclusive < 0.7, PMID: 27666373). To our knowledge, functional studies have not been reported for this variant. This variant has been reported in an individual affected with breast cancer (PMID: 26976419). This variant has not been identified in the general population by the Genome Aggregation Database (gnomAD). The available evidence is insufficient to determine the role of this variant in disease conclusively. Therefore, this variant is classified as a Variant of Uncertain Significance.

This study involves interpretation of variants in research participants for the purpose of population health screening. Participant phenotype was not available at the time of variant classification. Additional details can be found in publication PMID: 35346344, PMCID: PMC8962531

Literature cited by the submitters: PubMed 26976419 (cited by Ambry Genetics and All of Us Research Program, National Institutes of Health).

NM_007294.4(BRCA1):c.1263A>C (p.Glu421Asp)

Gene: BRCA1 (BRCA1 DNA repair associated; minus strand). Cytogenetic location: 17q21.31.
Variant type: single nucleotide variant.
Coding change: c.1263A>C on transcript NM_007294.4 (MANE Select); coding-DNA position 1263, A replaced by C.
Protein change: p.Glu421Asp; replaces glutamic acid 421 with aspartic acid.
Molecular consequence: missense variant. On other transcripts: intron variant (137).
Genome position (GRCh38, 1-based): chr17:43,094,268, T>G on the plus strand (A>C on the coding strand, the complement: BRCA1 is on the minus strand). VCF-style: chr17-43094268-T-G. GRCh37 (hg19) VCF-style: chr17-41246285-T-G.
Other names: c.1122A>C, p.Glu374Asp (NM_001407732.1, NM_001407733.1, NM_001407734.1 and 29 more transcripts); c.1119A>C, p.Glu373Asp (NM_001407740.1, NM_001407838.1, NM_001407839.1 and 20 more transcripts); c.1263A>C, p.Glu421Asp (NM_001407859.1, NM_007300.4, NM_001407581.1 and 30 more transcripts); c.1260A>C, p.Glu420Asp (NM_001407860.1, NM_001407861.1, NM_001407587.1 and 22 more transcripts); c.1062A>C, p.Glu354Asp (NM_001407862.1); c.1140A>C, p.Glu380Asp (NM_001407863.1, NM_001407648.1, NM_001407664.1 and 19 more transcripts); c.1059A>C, p.Glu353Asp (NM_001407874.1, NM_001407875.1); c.1053A>C, p.Glu351Asp (NM_001407879.1, NM_001407881.1, NM_001407900.1 and 13 more transcripts); and 40 more; short protein forms E125D, E253D, E293D, E294D, E309D, E310D, E332D, E333D.
Identifiers: ClinVar variation 3069236 (VCV003069236.2), dbSNP rs2154463490, ClinGen allele CA10599530.
Genomic context (GRCh38, chr17:43,094,268, plus strand): 5'-TATTAAAGCCTCATGAGGATCACTGGCCAGTAAGTCTATTTTCTCTGAAGAACCAGAATA[T>G]TCATCTACCTCATTTAGAACGTCCAATACATCAGCTACTTTGGCATTTGATTCAGACTCC-3'
Protein context (NP_009225.1, residues 411-431): DVLDVLNEVD[Glu421Asp]YSGSSEKIDL